The following is an entry in ClinVar:

ClinVar aggregate classification (germline): Uncertain significance (1 of 4 stars; one submission).

Submission:

Labcorp Genetics (formerly Invitae), Labcorp
Classification: Uncertain significance. Last evaluated: 2024-12-09. Review status: criteria provided, single submitter. Criteria: Invitae Variant Classification Sherloc (09022015). Collection method: clinical testing. Allele origin: germline.
Comment: This sequence change replaces aspartic acid, which is acidic and polar, with glutamic acid, which is acidic and polar, at codon 653 of the ITGB3 protein (p.Asp653Glu). This variant is not present in population databases (gnomAD no frequency). This variant has not been reported in the literature in individuals affected with ITGB3-related conditions. ClinVar contains an entry for this variant (Variation ID: 1721682). Invitae Evidence Modeling of protein sequence and biophysical properties (such as structural, functional, and spatial information, amino acid conservation, physicochemical variation, residue mobility, and thermodynamic stability) indicates that this missense variant is not expected to disrupt ITGB3 protein function with a negative predictive value of 95%. In summary, the available evidence is currently insufficient to determine the role of this variant in disease. Therefore, it has been classified as a Variant of Uncertain Significance.

NM_000212.3(ITGB3):c.1959C>A (p.Asp653Glu)

Gene: ITGB3 (integrin subunit beta 3; plus strand). Cytogenetic location: 17q21.32.
Variant type: single nucleotide variant.
Coding change: c.1959C>A on transcript NM_000212.3 (MANE Select); coding-DNA position 1959, C replaced by A.
Protein change: p.Asp653Glu; replaces aspartic acid 653 with glutamic acid.
Molecular consequence: missense variant.
Genome position (GRCh38, 1-based): chr17:47,300,523, C>A. VCF-style: chr17-47300523-C-A. GRCh37 (hg19) VCF-style: chr17-45377889-C-A.
Other names: short protein forms D653E.
Identifiers: ClinVar variation 1721682 (VCV001721682.5), dbSNP rs112717328, ClinGen allele CA400032937.